The following is an entry in ClinVar:

NM_001382391.1(CSPP1):c.1359_1366del (p.Arg453fs)

Gene: CSPP1 (centrosome and spindle pole associated protein 1; plus strand). Cytogenetic location: 8q13.2.
Variant type: Deletion.
Coding change: c.1359_1366del on transcript NM_001382391.1 (MANE Select); coding-DNA positions 1359 to 1366, 8 bases deleted (AATAGCTT; older notation c.1359_1366delAATAGCTT).
Protein change: p.Arg453fs; shifts the reading frame from arginine 453.
Molecular consequence: frameshift variant. On other transcripts: intron variant (1).
Genome position (GRCh38, 1-based): chr8:67,115,985-67,115,992, AATAGCTT deleted. VCF-style (leftmost placement, unchanged base first): chr8-67115984-GAATAGCTT-G. GRCh37 (hg19) VCF-style: chr8-68028219-GAATAGCTT-G.
Other names: c.462_469del, p.Arg154fs (NM_001291339.2); c.1278_1285del, p.Arg426fs (NM_001363131.2); c.1317_1324del, p.Arg439fs (NM_001363132.2); c.1236_1243del, p.Arg412fs (NM_001363133.2); c.1425_1432del, p.Arg475fs (NM_001364869.1); c.1245_1252del, p.Arg415fs (NM_001364870.1); c.1344_1351del, p.Arg448fs (NM_001438330.1, NM_001438331.1, NM_024790.7); c.951-2263_951-2256del (NM_001438332.1); short protein forms R415fs, R426fs, R439fs, R448fs, R475fs, R412fs, R154fs, R453fs.
Identifiers: ClinVar variation 4723571 (VCV004723571.1).
Genomic context (GRCh38, chr8:67,115,984, plus strand): 5'-TAAAGCAGTTTAGTGTGGCACCAAGACACTTTGAAGAGATGATACCACCTGAAAGACCCA[GAATAGCTT>G]TCCAGACACCTCTCCCTCCTTTATCTGCCCCATCTGTCCCACCCATCCCATCAGTTCATC-3'

ClinVar aggregate classification (germline): Pathogenic (1 of 4 stars; one submission).

Conditions:
Joubert syndrome 21 (JBTS21). Identifiers: MedGen C3810212, MONDO:0014288, OMIM 615636.

Submission:

Labcorp Genetics (formerly Invitae), Labcorp
Classification: Pathogenic for Joubert syndrome 21. Last evaluated: 2025-09-07. Review status: criteria provided, single submitter. Criteria: Invitae Variant Classification Sherloc (09022015). Collection method: clinical testing. Allele origin: germline.
Comment: This sequence change creates a premature translational stop signal (p.Arg448Serfs*27) in the CSPP1 gene. It is expected to result in an absent or disrupted protein product. Loss-of-function variants in CSPP1 are known to be pathogenic (PMID: 24360807, 24360808). This variant is not present in population databases (gnomAD no frequency). This variant has not been reported in the literature in individuals affected with CSPP1-related conditions. For these reasons, this variant has been classified as Pathogenic.

Literature cited by the submitters: PubMed 24360807; PubMed 24360808.